The following is an entry in ClinVar:

ClinVar aggregate classification (germline): Uncertain significance (1 of 4 stars; one submission).

Conditions:
ALG6-congenital disorder of glycosylation 1C (CDG1C). Also called: CDG Ic; CARBOHYDRATE-DEFICIENT GLYCOPROTEIN SYNDROME, TYPE I, WITH DEFICIENT GLYCOSYLATION OF DOLICHOL-LINKED OLIGOSACCHARIDE; CARBOHYDRATE-DEFICIENT GLYCOPROTEIN SYNDROME, TYPE V; Congenital disorder of glycosylation type 1C; Congenital disorder of glycosylation, type Ic. Identifiers: Orphanet 79320, MedGen C2930997, MONDO:0011291, OMIM 603147.

Submission:

Labcorp Genetics (formerly Invitae), Labcorp
Classification: Uncertain significance for ALG6-congenital disorder of glycosylation 1C. Last evaluated: 2022-09-07. Review status: criteria provided, single submitter. Criteria: Invitae Variant Classification Sherloc (09022015). Collection method: clinical testing. Allele origin: germline.
Comment: In summary, the available evidence is currently insufficient to determine the role of this variant in disease. Therefore, it has been classified as a Variant of Uncertain Significance. Algorithms developed to predict the effect of missense changes on protein structure and function (SIFT, PolyPhen-2, Align-GVGD) all suggest that this variant is likely to be disruptive. This sequence change replaces lysine, which is basic and polar, with methionine, which is neutral and non-polar, at codon 109 of the ALG6 protein (p.Lys109Met). This variant is not present in population databases (gnomAD no frequency). This variant has not been reported in the literature in individuals affected with ALG6-related conditions.

NM_013339.4(ALG6):c.326A>T (p.Lys109Met)

Gene: ALG6 (ALG6 alpha-1,3-glucosyltransferase; plus strand). Cytogenetic location: 1p31.3.
Variant type: single nucleotide variant.
Coding change: c.326A>T on transcript NM_013339.4 (MANE Select); coding-DNA position 326, A replaced by T.
Protein change: p.Lys109Met; replaces lysine 109 with methionine.
Molecular consequence: missense variant.
Genome position (GRCh38, 1-based): chr1:63,404,521, A>T. VCF-style: chr1-63404521-A-T. GRCh37 (hg19) VCF-style: chr1-63870192-A-T.
Other names: short protein forms K109M.
Identifiers: ClinVar variation 1718190 (VCV001718190.5), dbSNP rs2523729846, ClinGen allele CA340634405.